The following is an entry in ClinVar:

NM_000384.3(APOB):c.2369A>G (p.His790Arg)

Gene: APOB (apolipoprotein B; minus strand). Cytogenetic location: 2p24.1.
Variant type: single nucleotide variant.
Coding change: c.2369A>G on transcript NM_000384.3 (MANE Select); coding-DNA position 2369, A replaced by G.
Protein change: p.His790Arg; replaces histidine 790 with arginine.
Molecular consequence: missense variant.
Genome position (GRCh38, 1-based): chr2:21,025,000, T>C on the plus strand (A>G on the coding strand, the complement: APOB is on the minus strand). VCF-style: chr2-21025000-T-C. GRCh37 (hg19) VCF-style: chr2-21247872-T-C.
Other names: c.2369A>G (NM_000384.2); short protein forms H790R.
Identifiers: ClinVar variation 2924201 (VCV002924201.4), dbSNP rs1423482308, ClinGen allele CA1546553.

ClinVar aggregate classification (germline): Conflicting classifications of pathogenicity. Review status: criteria provided, conflicting classifications (1 of 4 stars). 2 submissions from 2 submitters: Uncertain significance (1); Likely benign (1). Last evaluated 2025-02-04.

Conditions:
Cardiovascular phenotype. Identifiers: MedGen CN230736.
Hypercholesterolemia, autosomal dominant, type B (FHCL2). Also called: APOB-Related Familial Hypercholesterolemia, Autosomal Dominant; Familial Hypercholesterolemia Type B; APOLIPOPROTEIN B-100, FAMILIAL DEFECTIVE; APOLIPOPROTEIN B-100, FAMILIAL LIGAND-DEFECTIVE; HYPERCHOLESTEROLEMIA, FAMILIAL, DUE TO LIGAND-DEFECTIVE APOLIPOPROTEIN B; Hyperlipoproteinemia Type IIb. Identifiers: MedGen C1704417, MONDO:0007751, OMIM 144010.
Familial hypobetalipoproteinemia 1. Also called: Hypobetalipoproteinemia, normotriglyceridemic; Acanthocytosis with hypobetalipoproteinemia; APOB-Related Familial Hypobetalipoproteinemia. Identifiers: MedGen C4551990, MONDO:0014252, OMIM 615558.

Allele frequency attached by ClinVar (database versions not stated): gnomAD exomes below 0.00001; ExAC 0.00001; gnomAD 0.00002; TOPMed 0.00005.
gnomAD v4.1: 5 of 1,614,124 alleles (0.00031%); highest among the groups gnomAD compares: East Asian, 0.0045%; no homozygotes.

Submissions (2):

Ambry Genetics
Classification: Uncertain significance for Cardiovascular phenotype. Last evaluated: 2025-02-04. Review status: criteria provided, single submitter. Criteria: Ambry Variant Classification Scheme 2023. Collection method: clinical testing. Allele origin: germline.
Comment: The p.H790R variant (also known as c.2369A>G), located in coding exon 16 of the APOB gene, results from an A to G substitution at nucleotide position 2369. The histidine at codon 790 is replaced by arginine, an amino acid with highly similar properties. This amino acid position is conserved. In addition, this alteration is predicted to be tolerated by in silico analysis. Based on the available evidence, the clinical significance of this variant remains unclear.

Labcorp Genetics (formerly Invitae), Labcorp
Classification: Likely benign for Familial hypobetalipoproteinemia 1; Hypercholesterolemia, autosomal dominant, type B. Last evaluated: 2023-11-15. Review status: criteria provided, single submitter. Criteria: Invitae Variant Classification Sherloc (09022015). Collection method: clinical testing. Allele origin: germline.